The following is an entry in ClinVar:

ClinVar aggregate classification (germline): Likely benign (1 of 4 stars; one submission).

Submission:

CeGaT Center for Human Genetics Tuebingen
Classification: Likely benign. Last evaluated: 2026-08-01. Review status: criteria provided, single submitter. Criteria: CeGaT Center For Human Genetics Tuebingen Variant Classification Criteria Version 2. Collection method: clinical testing. Allele origin: germline. Affected: yes. Observed: 1 variant allele.
Comment: THBS2: BP4, BP7

NM_003247.5(THBS2):c.2601C>T (p.Asp867=)

Genes: THBS2 (thrombospondin 2; minus strand), THBS2-AS1 (THBS2 antisense RNA 1; plus strand). Cytogenetic location: 6q27.
Variant type: single nucleotide variant.
Coding change: c.2601C>T on transcript NM_003247.5 (MANE Select); coding-DNA position 2601, C replaced by T.
Protein change: p.Asp867=; no amino-acid change (aspartic acid 867 retained).
Molecular consequence: synonymous variant. On other transcripts: non-coding transcript variant (2).
Genome position (GRCh38, 1-based): chr6:169,225,317, G>A on the plus strand (C>T on the coding strand, the complement: THBS2 is on the minus strand). VCF-style: chr6-169225317-G-A. GRCh37 (hg19) VCF-style: chr6-169625412-G-A.
Other names: c.2427C>T, p.Asp809= (NM_001381939.1); c.2370C>T, p.Asp790= (NM_001381942.1).
Identifiers: ClinVar variation 5038840 (VCV005038840.1).